The following is an entry in ClinVar:

NM_017534.6(MYH2):c.3769A>T (p.Thr1257Ser)

Genes: MYH2 (myosin heavy chain 2; minus strand), MYHAS (myosin heavy chain gene cluster antisense RNA; plus strand). Cytogenetic location: 17p13.1.
Variant type: single nucleotide variant.
Coding change: c.3769A>T on transcript NM_017534.6 (MANE Select); coding-DNA position 3769, A replaced by T.
Protein change: p.Thr1257Ser; replaces threonine 1257 with serine.
Molecular consequence: missense variant.
Genome position (GRCh38, 1-based): chr17:10,527,850, T>A on the plus strand (A>T on the coding strand, the complement: MYH2 is on the minus strand). VCF-style: chr17-10527850-T-A. GRCh37 (hg19) VCF-style: chr17-10431167-T-A.
Other names: c.3769A>T, p.Thr1257Ser (NM_001100112.2); short protein forms T1257S.
Identifiers: ClinVar variation 4745208 (VCV004745208.1).
Genomic context (GRCh38, chr17:10,527,850, plus strand): 5'-TGATCAGCCGCTGCTGCTCCTCTTCCTTTGATTTCAGTTCACTCAGTTGGTCCTCTAGAG[T>A]CCGGCACATTTTCTCTAGGTTTCCCTATAGAAGAAAAAGTAAAAGAAGAAAACAGAGACC-3'
Protein context (NP_060004.3, residues 1247-1267): AKGNLEKMCR[Thr1257Ser]LEDQLSELKS

ClinVar aggregate classification (germline): Uncertain significance (1 of 4 stars; one submission).

Conditions:
Myopathy, proximal, and ophthalmoplegia (CMYO6). Also called: INCLUSION BODY MYOPATHY 3, AUTOSOMAL DOMINANT; CONGENITAL MYOPATHY 6 WITH OPHTHALMOPLEGIA; MYOPATHY WITH CONGENITAL JOINT CONTRACTURES, OPHTHALMOPLEGIA, AND RIMMED VACUOLES. Identifiers: Orphanet 363677, Orphanet 79091, MedGen C1854106, MONDO:0011577, OMIM 605637.

gnomAD v4.1: 2 of 1,613,578 alleles (0.00012%); highest among the groups gnomAD compares: East Asian, 0.0022%; no homozygotes.

Submission:

Labcorp Genetics (formerly Invitae), Labcorp
Classification: Uncertain significance for Myopathy, proximal, and ophthalmoplegia. Last evaluated: 2025-08-07. Review status: criteria provided, single submitter. Criteria: Invitae Variant Classification Sherloc (09022015). Collection method: clinical testing. Allele origin: germline.
Comment: This sequence change replaces threonine, which is neutral and polar, with serine, which is neutral and polar, at codon 1257 of the MYH2 protein (p.Thr1257Ser). This variant is present in population databases (rs770455023, gnomAD 0.006%). This variant has not been reported in the literature in individuals affected with MYH2-related conditions. Invitae Evidence Modeling of protein sequence and biophysical properties (such as structural, functional, and spatial information, amino acid conservation, physicochemical variation, residue mobility, and thermodynamic stability) indicates that this missense variant is not expected to disrupt MYH2 protein function with a negative predictive value of 80%. In summary, the available evidence is currently insufficient to determine the role of this variant in disease. Therefore, it has been classified as a Variant of Uncertain Significance.